The following is an entry in ClinVar:

ClinVar aggregate classification (germline): Uncertain significance. Review status: criteria provided, multiple submitters, no conflicts (2 of 4 stars). 4 submissions from 4 submitters: Uncertain significance (4). Last evaluated 2025-09-24.

Conditions:
Familial cancer of breast. Also called: Hereditary breast cancer; BREAST CANCER, FAMILIAL; hereditary breast carcinoma. Identifiers: Orphanet 227535, MedGen C0346153, MONDO:0016419, OMIM 114480. Disease mechanism: loss of function.
Nijmegen breakage syndrome-like disorder (NBSLD). Also called: MICROCEPHALY AND SPONTANEOUS CHROMOSOME INSTABILITY WITHOUT IMMUNODEFICIENCY; NBS-LIKE DISORDER; RAD50 DEFICIENCY. Identifiers: Orphanet 240760, MedGen C2751318, MONDO:0013118, OMIM 613078.
Hereditary cancer-predisposing syndrome. Also called: Neoplastic Syndromes, Hereditary; Tumor predisposition; Hereditary Cancer Syndrome; Hereditary neoplastic syndrome. Identifiers: Orphanet 140162, MedGen C0027672, MeSH D009386, MONDO:0015356.

Allele frequency attached by ClinVar (database versions not stated): gnomAD exomes 0.00001; TOPMed 0.00002.
gnomAD v4.1: 20 of 1,614,154 alleles (0.0012%); highest among the groups gnomAD compares: South Asian, 0.0033%; no homozygotes.

Submissions (4):

Labcorp Genetics (formerly Invitae), Labcorp
Classification: Uncertain significance for Hereditary cancer-predisposing syndrome. Last evaluated: 2025-09-24. Review status: criteria provided, single submitter. Criteria: Invitae Variant Classification Sherloc (09022015). Collection method: clinical testing. Allele origin: germline.
Comment: This sequence change replaces arginine, which is basic and polar, with glutamine, which is neutral and polar, at codon 1180 of the RAD50 protein (p.Arg1180Gln). This variant is present in population databases (rs369788398, gnomAD 0.006%). This variant has not been reported in the literature in individuals affected with RAD50-related conditions. ClinVar contains an entry for this variant (Variation ID: 527386). Invitae Evidence Modeling of protein sequence and biophysical properties (such as structural, functional, and spatial information, amino acid conservation, physicochemical variation, residue mobility, and thermodynamic stability) indicates that this missense variant is expected to disrupt RAD50 protein function with a positive predictive value of 80%. In summary, the available evidence is currently insufficient to determine the role of this variant in disease. Therefore, it has been classified as a Variant of Uncertain Significance.

KCCC/NGS Laboratory, Kuwait Cancer Control Center
Classification: Uncertain significance for Familial cancer of breast. Last evaluated: 2023-07-06. Review status: criteria provided, single submitter. Criteria: ACMG Guidelines, 2015. Collection method: clinical testing. Allele origin: unknown. Inheritance: Autosomal dominant inheritance. Affected: yes. Observed: 1 heterozygote.
Comment: This sequence change replaces arginine with glutamine at codon 1180 of the RAD50 protein (p.Arg1180Gln). TThis amino acid position is highly conserved (PhyloP=9.4) and there is a small physicochemical difference between arginine and glutamine. This variant is not present in population databases (gnomAD). This variant has not been reported in the literature in individuals affected with RAD50-related conditions. ClinVar contains an entry for this variant (Variation ID: 527386) by two diagnostic lab both classify this variant as uncertain significance . Functional study not available for this variant .In-silico predictions show pathogenic computational verdict based on 10 pathogenic predictions from DANN , EIGEN , FATHMM , LIST-S2, LRT , PrimateAI , SIFT4G, EIGEN PC, FATHMMMKL and PolyPhen-2 vs 3 benign predictions from M-CAP, Mutation assessor and MVP . In summary, the available evidence is currently insufficient to determine the role of this variant in disease. Therefore, it has been classified as a Variant of Uncertain Significance.

Baylor Genetics
Classification: Uncertain significance for Nijmegen breakage syndrome-like disorder. Last evaluated: 2023-05-04. Review status: criteria provided, single submitter. Criteria: ACMG Guidelines, 2015. Collection method: clinical testing. Allele origin: unknown.

Ambry Genetics
Classification: Uncertain significance for Hereditary cancer-predisposing syndrome. Last evaluated: 2020-12-31. Review status: criteria provided, single submitter. Criteria: Ambry Variant Classification Scheme 2023. Collection method: clinical testing. Allele origin: germline.
Comment: The p.R1180Q variant (also known as c.3539G>A), located in coding exon 23 of the RAD50 gene, results from a G to A substitution at nucleotide position 3539. The arginine at codon 1180 is replaced by glutamine, an amino acid with highly similar properties. This amino acid position is highly conserved in available vertebrate species. In addition, this alteration is predicted to be deleterious by in silico analysis. Since supporting evidence is limited at this time, the clinical significance of this alteration remains unclear.

Literature cited by the submitters: PubMed 27844240 (cited by Ambry Genetics).

NM_005732.4(RAD50):c.3539G>A (p.Arg1180Gln)

Genes: TH2-LCR (Th2 cytokine locus control region; plus strand), RAD50 (RAD50 double strand break repair protein; plus strand), TH2LCRR (T helper type 2 locus control region associated RNA; minus strand). Cytogenetic location: 5q31.1.
Variant type: single nucleotide variant.
Coding change: c.3539G>A on transcript NM_005732.4 (MANE Select); coding-DNA position 3539, G replaced by A.
Protein change: p.Arg1180Gln; replaces arginine 1180 with glutamine.
Molecular consequence: missense variant. On other transcripts: non-coding transcript variant (2).
Genome position (GRCh38, 1-based): chr5:132,638,144, G>A. VCF-style: chr5-132638144-G-A. GRCh37 (hg19) VCF-style: chr5-131973836-G-A.
Other names: short protein forms R1180Q.
Identifiers: ClinVar variation 527386 (VCV000527386.16), dbSNP rs369788398, ClinGen allele CA127235209.